The following is an entry in ClinVar:

NM_030962.4(SBF2):c.4107A>C (p.Ser1369=)

Gene: SBF2 (SET binding factor 2; minus strand). Cytogenetic location: 11p15.4.
Variant type: single nucleotide variant.
Coding change: c.4107A>C on transcript NM_030962.4 (MANE Select); coding-DNA position 4107, A replaced by C.
Protein change: p.Ser1369=; no amino-acid change (serine 1369 retained).
Molecular consequence: synonymous variant.
Genome position (GRCh38, 1-based): chr11:9,812,580, T>G on the plus strand (A>C on the coding strand, the complement: SBF2 is on the minus strand). VCF-style: chr11-9812580-T-G. GRCh37 (hg19) VCF-style: chr11-9834127-T-G.
Other names: c.4203A>C, p.Ser1401= (NM_001386339.1); c.3978A>C, p.Ser1326= (NM_001386342.1).
Identifiers: ClinVar variation 241612 (VCV000241612.17), dbSNP rs769205402, ClinGen allele CA5881062.

ClinVar aggregate classification (germline): Conflicting classifications of pathogenicity. Review status: criteria provided, conflicting classifications (1 of 4 stars). 5 submissions from 5 submitters: Uncertain significance (1); Likely benign (4). Last evaluated 2025-06-03.

Conditions:
SBF2-related disorder. Also called: SBF2-related condition.
Inborn genetic diseases. Identifiers: MedGen C0950123, MeSH D030342.
Charcot-Marie-Tooth disease type 4. Also called: Charcot-Marie-Tooth disease, type IV; Charcot-Marie-Tooth, Type 4. Identifiers: Orphanet 64749, MedGen C4082197, MONDO:0018995.
Charcot-Marie-Tooth disease type 4B2. Also called: CHARCOT-MARIE-TOOTH DISEASE, WITH FOCALLY FOLDED MYELIN SHEATHS, AUTOSOMAL RECESSIVE, TYPE 4B2; Charcot-Marie-Tooth Neuropathy Type 4B2; CHARCOT-MARIE-TOOTH DISEASE, DEMYELINATING, TYPE 4B2; CMT 4B2. Identifiers: Orphanet 99956, MedGen C1858278, MONDO:0011475, OMIM 604563.

Allele frequency attached by ClinVar (database versions not stated): ExAC 0.00001; gnomAD exomes 0.00001 and 0.00004; gnomAD 0.00003; TOPMed 0.00003.
gnomAD v4.1: 59 of 1,614,116 alleles (0.0037%); highest among the groups gnomAD compares: Admixed American, 0.005%; no homozygotes.

Submissions (5):

Labcorp Genetics (formerly Invitae), Labcorp
Classification: Likely benign for Charcot-Marie-Tooth disease type 4. Last evaluated: 2025-06-03. Review status: criteria provided, single submitter. Criteria: Invitae Variant Classification Sherloc (09022015). Collection method: clinical testing. Allele origin: germline.

PreventionGenetics, part of Exact Sciences
Classification: Likely benign for SBF2-related condition. Last evaluated: 2024-11-23. Review status: criteria provided, single submitter. Criteria: ACMG Guidelines, 2015. Collection method: clinical testing. Allele origin: germline.
Comment: This variant is classified as likely benign based on ACMG/AMP sequence variant interpretation guidelines (Richards et al. 2015 PMID: 25741868, with internal and published modifications).

Blueprint Genetics
Classification: Likely benign. Last evaluated: 2023-06-15. Review status: criteria provided, single submitter. Criteria: ACMG Guidelines, 2015. Collection method: clinical testing. Allele origin: germline.

Ambry Genetics
Classification: Likely benign for Inborn genetic diseases. Last evaluated: 2019-07-11. Review status: criteria provided, single submitter. Criteria: Ambry Variant Classification Scheme 2023. Collection method: clinical testing. Allele origin: germline.

Illumina Laboratory Services, Illumina
Classification: Uncertain significance for Charcot-Marie-Tooth disease type 4B2. Last evaluated: 2018-01-13. Review status: criteria provided, single submitter. Criteria: ICSL Variant Classification Criteria 13 December 2019. Collection method: clinical testing. Allele origin: germline.